The following is an entry in ClinVar:

NM_002150.3(HPD):c.574G>A (p.Glu192Lys)

Genes: HPD (4-hydroxyphenylpyruvate dioxygenase; minus strand), TIALD (transcript inducer of AURKA lysosomal degradation; plus strand). Cytogenetic location: 12q24.31.
Variant type: single nucleotide variant.
Coding change: c.574G>A on transcript NM_002150.3 (MANE Select); coding-DNA position 574, G replaced by A.
Protein change: p.Glu192Lys; replaces glutamic acid 192 with lysine.
Molecular consequence: missense variant.
Genome position (GRCh38, 1-based): chr12:121,849,021, C>T on the plus strand (G>A on the coding strand, the complement: HPD is on the minus strand). VCF-style: chr12-121849021-C-T. GRCh37 (hg19) VCF-style: chr12-122286927-C-T.
Other names: c.457G>A, p.Glu153Lys (NM_001171993.2); short protein forms E153K, E192K.
Identifiers: ClinVar variation 854922 (VCV000854922.10), dbSNP rs1877675977, ClinGen allele CA387016072.

ClinVar aggregate classification (germline): Uncertain significance (1 of 4 stars; one submission).

Conditions:
Hawkinsinuria. Identifiers: Orphanet 2118, MedGen C2931042, MONDO:0007700, OMIM 140350, HP:0034457.
Tyrosinemia type III. Also called: Tyrosinemia type 3; 4-alpha hydroxyphenylpyruvic acid oxidase deficiency; 4-alpha hydroxyphenylpyruvate dioxygenase deficiency; 4-Hydroxyphenylpyruvate dioxygenase deficiency; 4-HYDROXYPHENYLPYRUVIC ACID OXIDASE DEFICIENCY. Identifiers: Orphanet 69723, MedGen C0268623, MONDO:0010162, OMIM 276710.

Allele frequency attached by ClinVar (database versions not stated): gnomAD exomes below 0.00001; TOPMed below 0.00001; gnomAD 0.00001.
gnomAD v4.1: 2 of 1,613,718 alleles (0.00012%); highest among the groups gnomAD compares: African/African-American, 0.0027%; no homozygotes.

Submission:

Labcorp Genetics (formerly Invitae), Labcorp
Classification: Uncertain significance for Tyrosinemia type III; Hawkinsinuria. Last evaluated: 2019-03-22. Review status: criteria provided, single submitter. Criteria: Invitae Variant Classification Sherloc (09022015). Collection method: clinical testing. Allele origin: germline.
Comment: This sequence change replaces glutamic acid with lysine at codon 192 of the HPD protein (p.Glu192Lys). The glutamic acid residue is moderately conserved and there is a small physicochemical difference between glutamic acid and lysine. This variant is not present in population databases (ExAC no frequency). This variant has not been reported in the literature in individuals with HPD-related conditions. In summary, the available evidence is currently insufficient to determine the role of this variant in disease. Therefore, it has been classified as a Variant of Uncertain Significance. Algorithms developed to predict the effect of missense changes on protein structure and function are either unavailable or do not agree on the potential impact of this missense change (SIFT: "Deleterious"; PolyPhen-2: "Benign"; Align-GVGD: "Class C15").